The following is an entry in ClinVar:

ClinVar aggregate classification (germline): Uncertain significance (1 of 4 stars; one submission).

Submission:

Labcorp Genetics (formerly Invitae), Labcorp
Classification: Uncertain significance. Last evaluated: 2024-01-15. Review status: criteria provided, single submitter. Criteria: Invitae Variant Classification Sherloc (09022015). Collection method: clinical testing. Allele origin: unknown.
Comment: This variant is a gross deletion of the genomic region encompassing exon(s) 32 of the COL4A2 gene. This variant would be expected to be in-frame, preserving the integrity of the reading frame. This variant has not been reported in the literature in individuals affected with COL4A2-related conditions. This variant disrupts a region of the COL4A2 protein in which other variant(s) (p.Gly941Arg) have been observed in individuals with COL4A2-related conditions (PMID: 24390199). This suggests that this is a clinically significant region of the protein, and that variants that disrupt it are likely to be disease-causing. In summary, the available evidence is currently insufficient to determine the role of this variant in disease. Therefore, it has been classified as a Variant of Uncertain Significance.

Literature cited by the submitters: PubMed 24390199.

NC_000013.10:g.(?_111134843)_(111135026_?)del

Gene: COL4A2 (collagen type IV alpha 2 chain; plus strand). Cytogenetic location: 13q34.
Variant type: Deletion.
Identifiers: ClinVar variation 3244210 (VCV003244210.1).